The following is an entry in ClinVar:

NM_005104.4(BRD2):c.55T>C (p.Leu19=)

Gene: BRD2 (bromodomain containing 2; plus strand). Cytogenetic location: 6p21.32.
Variant type: single nucleotide variant.
Coding change: c.55T>C on transcript NM_005104.4 (MANE Select); coding-DNA position 55, T replaced by C.
Protein change: p.Leu19=; no amino-acid change (leucine 19 retained).
Molecular consequence: synonymous variant. On other transcripts: 5 prime UTR variant (2).
Genome position (GRCh38, 1-based): chr6:32,974,487, T>C. VCF-style: chr6-32974487-T-C. GRCh37 (hg19) VCF-style: chr6-32942264-T-C.
Other names: c.55T>C, p.Leu19= (NM_001199455.1, NM_001113182.3); c.-87T>C (NM_001199456.2); c.-398T>C (NM_001291986.2).
Identifiers: ClinVar variation 726131 (VCV000726131.6), dbSNP rs3752528, ClinGen allele CA3748030.

ClinVar aggregate classification (germline): Benign. Review status: criteria provided, single submitter (1 of 4 stars). 2 submissions from 2 submitters: Benign (1). 1 of the submissions does not count toward it. Last evaluated 2019-12-31.

Conditions:
BRD2-related disorder. Also called: BRD2-related condition.

Allele frequency attached by ClinVar (database versions not stated): gnomAD 0.00036 and 0.00055; gnomAD exomes 0.00049 and 0.00097; TOPMed 0.00064; ExAC 0.00112; 1000 Genomes Project 30x 0.00187; 1000 Genomes Project 0.00220.

Submissions (2):

Labcorp Genetics (formerly Invitae), Labcorp
Classification: Benign. Last evaluated: 2019-12-31. Review status: criteria provided, single submitter. Criteria: Invitae Variant Classification Sherloc (09022015). Collection method: clinical testing. Allele origin: germline.

PreventionGenetics, part of Exact Sciences
Classification: Benign for BRD2-related condition. Last evaluated: 2019-06-10. Review status: no assertion criteria provided. Collection method: clinical testing. Allele origin: germline. Not counted in ClinVar's aggregate classification.
Comment: This variant is classified as benign based on ACMG/AMP sequence variant interpretation guidelines (Richards et al. 2015 PMID: 25741868, with internal and published modifications).